The following is an entry in ClinVar:

ClinVar aggregate classification (germline): Uncertain significance. Review status: criteria provided, multiple submitters, no conflicts (2 of 4 stars). 5 submissions from 5 submitters: Uncertain significance (5). Last evaluated 2026-04-27.

Conditions:
TTN-related disorder. Also called: TTN-related condition; TTN-related disease; TTN-related disorders.

Allele frequency attached by ClinVar (database versions not stated): TOPMed 0.00004; gnomAD 0.00007; ESP Exome Variant Server 0.00008.
gnomAD v4.1: 162 of 1,613,118 alleles (0.01%); highest among the groups gnomAD compares: Non-Finnish European, 0.013%; no homozygotes.

Submissions (5):

PreventionGenetics, part of Exact Sciences
Classification: Uncertain significance for TTN-related condition. Last evaluated: 2026-04-27. Review status: criteria provided, single submitter. Criteria: ACMG Guidelines, 2015. Collection method: clinical testing. Allele origin: germline.
Comment: The TTN c.73073A>T variant is predicted to result in the amino acid substitution p.Tyr24358Phe. This variant has been reported as a variant of uncertain significance in a noncompaction cardiomyopathy cohort (Online Table 3, van Waning et al. 2018. PubMed ID: 29447731). This variant is reported in 0.010% of alleles in individuals of European (Non-Finnish) descent in gnomAD. Although we suspect that this variant may be benign, at this time, the clinical significance of this variant is uncertain due to the absence of conclusive functional and genetic evidence.

Women's Health and Genetics/Laboratory Corporation of America, LabCorp
Classification: Uncertain significance. Last evaluated: 2026-01-16. Review status: criteria provided, single submitter. Criteria: LabCorp Variant Classification Summary - May 2015. Collection method: clinical testing. Allele origin: germline.
Comment: Variant summary: TTN c.65369A>T (p.Tyr21790Phe) results in a conservative amino acid change located in the A-band region of the encoded protein sequence. Algorithms developed to predict the effect of missense changes on protein structure and function are either unavailable or do not agree on the potential impact of this missense change. This frequency is not significantly higher than estimated for disease-causing variants in TTN, allowing no conclusion about variant significance. c.65369A>T has been reported in the literature in an individual diagnosed with noncompaction cardiomyopathy (example: van Waning_2018). This report does not provide unequivocal conclusions about association of the variant with Dilated Cardiomyopathy. The following publication has been ascertained in the context of this evaluation (PMID: 29447731). ClinVar contains an entry for this variant (Variation ID: 1704613). Based on the evidence outlined above, the variant was classified as uncertain significance.

Athena Diagnostics
Classification: Uncertain significance. Last evaluated: 2025-11-04. Review status: criteria provided, single submitter. Criteria: Athena Diagnostics Criteria. Collection method: clinical testing. Allele origin: unknown.
Comment: Available data are insufficient to determine the clinical significance of the variant at this time. The frequency of this variant in the general population is uninformative in assessment of its pathogenicity. Polyphen and MutationTaster yielded discordant predictions regarding whether this amino acid change is damaging to the protein.

CeGaT Center for Human Genetics Tuebingen
Classification: Uncertain significance. Last evaluated: 2025-06-01. Review status: criteria provided, single submitter. Criteria: CeGaT Center For Human Genetics Tuebingen Variant Classification Criteria Version 2. Collection method: clinical testing. Allele origin: germline. Affected: yes. Observed: 2 variant alleles.
Comment: TTN: PM2, PP3

Revvity Omics, Revvity
Classification: Uncertain significance. Last evaluated: 2024-05-30. Review status: criteria provided, single submitter. Criteria: ACMG Guidelines, 2015. Collection method: clinical testing. Allele origin: germline.

Literature cited by the submitters: PubMed 29447731 (cited by Women's Health and Genetics/Laboratory Corporation of America, LabCorp and Athena Diagnostics); PubMed 33500567 (cited by Athena Diagnostics); PubMed 33432171 (cited by Athena Diagnostics).

NM_001267550.2(TTN):c.73073A>T (p.Tyr24358Phe)

Genes: TTN (titin; minus strand), TTN-AS1 (TTN antisense RNA 1; plus strand). Cytogenetic location: 2q31.2.
Variant type: single nucleotide variant.
Coding change: c.73073A>T on transcript NM_001267550.2 (MANE Select); coding-DNA position 73073, A replaced by T.
Protein change: p.Tyr24358Phe; replaces tyrosine 24358 with phenylalanine.
Molecular consequence: missense variant.
Genome position (GRCh38, 1-based): chr2:178,573,059, T>A on the plus strand (A>T on the coding strand, the complement: TTN is on the minus strand). VCF-style: chr2-178573059-T-A. GRCh37 (hg19) VCF-style: chr2-179437786-T-A.
Other names: c.68150A>T, p.Tyr22717Phe (NM_001256850.1); c.45878A>T, p.Tyr15293Phe (NM_003319.4); c.65369A>T, p.Tyr21790Phe (NM_133378.4); c.46253A>T, p.Tyr15418Phe (NM_133432.3); c.46454A>T, p.Tyr15485Phe (NM_133437.4); short protein forms Y21790F, Y15293F, Y15485F, Y22717F, Y24358F, Y15418F.
Identifiers: ClinVar variation 1704613 (VCV001704613.31), dbSNP rs368124487, ClinGen allele CA1990419.